The following is an entry in ClinVar:

NM_006015.6(ARID1A):c.5491C>G (p.Leu1831Val)

Gene: ARID1A (AT-rich interaction domain 1A; plus strand). Cytogenetic location: 1p36.11.
Variant type: single nucleotide variant.
Coding change: c.5491C>G on transcript NM_006015.6 (MANE Select); coding-DNA position 5491, C replaced by G.
Protein change: p.Leu1831Val; replaces leucine 1831 with valine.
Molecular consequence: missense variant.
Genome position (GRCh38, 1-based): chr1:26,779,389, C>G. VCF-style: chr1-26779389-C-G. GRCh37 (hg19) VCF-style: chr1-27105880-C-G.
Other names: c.5491C>G (LRG_875t1); c.4840C>G, p.Leu1614Val (NM_139135.4); short protein forms L1831V, L1614V.
Identifiers: ClinVar variation 434344 (VCV000434344.60), dbSNP rs150534917, ClinGen allele CA707701.
Genomic context (GRCh38, chr1:26,779,389, plus strand): 5'-AAGCTTCCAGTAAAGATCGTACAGAAGAATGATCCATTTGTGGTGGACTGCTCAGATAAG[C>G]TTGGGCGTGTGCAGGAGTTTGACAGTGGCCTGCTGCACTGGCGGATTGGTGGGGGGGACA-3'
Protein context (NP_006006.3, residues 1821-1841): DPFVVDCSDK[Leu1831Val]GRVQEFDSGL

ClinVar aggregate classification (germline): Conflicting classifications of pathogenicity. Review status: criteria provided, conflicting classifications (1 of 4 stars). 8 submissions from 8 submitters: Uncertain significance (1); Likely benign (7). Last evaluated 2026-07-01.

Conditions:
Intellectual disability. Also called: intellectual disabilities; Intellectual functioning disability; Intellectual developmental disorder. Identifiers: MedGen C3714756, MeSH D008607, MONDO:0001071, HP:0001249.
Inborn genetic diseases. Identifiers: MedGen C0950123, MeSH D030342.
ARID1A-related disorder. Also called: ARID1A-related condition.

Allele frequency attached by ClinVar (database versions not stated): ExAC 0.00007; gnomAD exomes 0.00013; TOPMed 0.00019; 1000 Genomes Project 0.00020; gnomAD 0.00020 and 0.00022; 1000 Genomes Project 30x 0.00031; ESP Exome Variant Server 0.00038.
gnomAD v4.1: 619 of 1,614,206 alleles (0.038%); highest among the groups gnomAD compares: Non-Finnish European, 0.049%; no homozygotes.

Submissions (8):

CeGaT Center for Human Genetics Tuebingen
Classification: Uncertain significance. Last evaluated: 2026-07-01. Review status: criteria provided, single submitter. Criteria: CeGaT Center For Human Genetics Tuebingen Variant Classification Criteria Version 2. Collection method: clinical testing. Allele origin: germline. Affected: yes. Observed: 1 variant allele.
Comment: ARID1A: PS4:Moderate, BP4

Labcorp Genetics (formerly Invitae), Labcorp
Classification: Likely benign. Last evaluated: 2026-01-13. Review status: criteria provided, single submitter. Criteria: Invitae Variant Classification Sherloc (09022015). Collection method: clinical testing. Allele origin: germline.

PreventionGenetics, part of Exact Sciences
Classification: Likely benign for ARID1A-related condition. Last evaluated: 2025-11-10. Review status: criteria provided, single submitter. Criteria: ACMG Guidelines, 2015. Collection method: clinical testing. Allele origin: germline.
Comment: This variant is classified as likely benign based on ACMG/AMP sequence variant interpretation guidelines (Richards et al. 2015 PMID: 25741868, with internal and published modifications).

Blueprint Genetics
Classification: Likely benign. Last evaluated: 2024-10-17. Review status: criteria provided, single submitter. Criteria: ACMG Guidelines, 2015. Collection method: clinical testing. Allele origin: germline.

Ambry Genetics
Classification: Likely benign for Inborn genetic diseases. Last evaluated: 2024-05-03. Review status: criteria provided, single submitter. Criteria: Ambry Variant Classification Scheme 2023. Collection method: clinical testing. Allele origin: germline.

GeneDx
Classification: Likely benign. Last evaluated: 2021-01-12. Review status: criteria provided, single submitter. Criteria: GeneDx Variant Classification Process June 2021. Collection method: clinical testing. Allele origin: germline. Affected: yes.

Cambridge Genomics Laboratory, East Genomic Laboratory Hub, NHS Genomic Medicine Service
Classification: Likely benign for Intellectual disability. Last evaluated: 2019-09-11. Review status: criteria provided, single submitter. Criteria: ACGS Best Practice Guidelines for Variant Classification in Rare Disease 2020. Collection method: clinical testing. Allele origin: germline. Affected: yes. Observed: 1 variant allele.

Genetic Services Laboratory, University of Chicago
Classification: Likely benign. Last evaluated: 2017-03-10. Review status: criteria provided, single submitter. Criteria: ACMG Guidelines, 2015. Collection method: clinical testing. Allele origin: germline. Affected: no.